The following is an entry in ClinVar:

NC_000010.11:g.71645936_71645956del

Gene: CDH23 (cadherin related 23; plus strand). Cytogenetic location: 10q22.1.
Variant type: Deletion.
Genome position: GRCh38 VCF-style: chr10-71645934-TGGCCATCCCACTGGACTACGA-T. GRCh37 (hg19) VCF-style: chr10-73405691-TGGCCATCCCACTGGACTACGA-T.
Other names: c.1246_1266del, p.Ala416_Glu422del (NM_001171930.2, NM_001171931.2, NM_022124.6 and 1 more transcripts).
Identifiers: ClinVar variation 45865 (VCV000045865.8), dbSNP rs397517305, ClinGen allele CA261773.

ClinVar aggregate classification (germline): Conflicting classifications of pathogenicity. Review status: criteria provided, conflicting classifications (1 of 4 stars). 2 submissions from 2 submitters: Likely pathogenic (1); Uncertain significance (1). Last evaluated 2022-03-10.

Conditions:
Rare genetic deafness. Identifiers: Orphanet 96210, MedGen C5680250.

Submissions (2):

Labcorp Genetics (formerly Invitae), Labcorp
Classification: Uncertain significance. Last evaluated: 2022-03-10. Review status: criteria provided, single submitter. Criteria: Invitae Variant Classification Sherloc (09022015). Collection method: clinical testing. Allele origin: germline.
Comment: In summary, the available evidence is currently insufficient to determine the role of this variant in disease. Therefore, it has been classified as a Variant of Uncertain Significance. Algorithms developed to predict the effect of sequence changes on RNA splicing suggest that this variant may disrupt the consensus splice site. Experimental studies and prediction algorithms are not available or were not evaluated, and the functional significance of this variant is currently unknown. ClinVar contains an entry for this variant (Variation ID: 45865). This variant has not been reported in the literature in individuals affected with CDH23-related conditions. This variant is not present in population databases (gnomAD no frequency). This variant, c.1246_1266del, is a complex sequence change that results in the deletion of 7 amino acid(s) in the CDH23 protein (p.Ala416_Glu422del).

Laboratory for Molecular Medicine, Mass General Brigham Personalized Medicine
Classification: Likely pathogenic for Rare genetic deafness. Last evaluated: 2013-09-08. Review status: criteria provided, single submitter. Criteria: LMM Criteria. Collection method: clinical testing. Allele origin: germline. Inheritance: Autosomal recessive inheritance. Observed: 1 variant allele.
Comment: It has not been i dentified in large and broad European American and African American populations by the NHLBI Exome Sequencing Project. This variant causes an in-frame deletion of 7 amino acids conserved in mammals and ac ross evolutionarily distant species, which is likely to impact protein function. I n summary, this variant is likely pathogenic, though additional studies are r equired to fully establish its clinical significance.